The following is an entry in ClinVar:

NM_031935.3(HMCN1):c.14128A>G (p.Ser4710Gly)

Gene: HMCN1 (hemicentin 1; plus strand). Cytogenetic location: 1q31.1.
Variant type: single nucleotide variant.
Coding change: c.14128A>G on transcript NM_031935.3 (MANE Select); coding-DNA position 14128, A replaced by G.
Protein change: p.Ser4710Gly; replaces serine 4710 with glycine.
Molecular consequence: missense variant.
Genome position (GRCh38, 1-based): chr1:186,144,565, A>G. VCF-style: chr1-186144565-A-G. GRCh37 (hg19) VCF-style: chr1-186113697-A-G.
Other names: short protein forms S4710G.
Identifiers: ClinVar variation 2875166 (VCV002875166.3), dbSNP rs937850916, ClinGen allele CA343915116.

ClinVar aggregate classification (germline): Uncertain significance (1 of 4 stars; one submission).

Allele frequency attached by ClinVar (database versions not stated): gnomAD 0.00001.
gnomAD v4.1: 1 of 1,613,934 alleles (0.000062%); highest among the groups gnomAD compares: African/African-American, 0.0013%; no homozygotes.

Submission:

Labcorp Genetics (formerly Invitae), Labcorp
Classification: Uncertain significance. Last evaluated: 2023-11-14. Review status: criteria provided, single submitter. Criteria: Invitae Variant Classification Sherloc (09022015). Collection method: clinical testing. Allele origin: germline.
Comment: This sequence change replaces serine, which is neutral and polar, with glycine, which is neutral and non-polar, at codon 4710 of the HMCN1 protein (p.Ser4710Gly). This variant is present in population databases (no rsID available, gnomAD 0.01%). This variant has not been reported in the literature in individuals affected with HMCN1-related conditions. An algorithm developed to predict the effect of missense changes on protein structure and function (PolyPhen-2) suggests that this variant is likely to be disruptive. In summary, the available evidence is currently insufficient to determine the role of this variant in disease. Therefore, it has been classified as a Variant of Uncertain Significance.